The following is an entry in ClinVar:

ClinVar aggregate classification (germline): Pathogenic (1 of 4 stars; one submission).

Conditions:
Autosomal recessive limb-girdle muscular dystrophy type 2E (LGMDR4). Also called: MUSCULAR DYSTROPHY, LIMB-GIRDLE, AUTOSOMAL RECESSIVE 4. Identifiers: Orphanet 119, MedGen C1858593, MONDO:0011423, OMIM 604286. Disease mechanism: Affects gamma-sarcoglycan and also disrupts the integrity of the entire sarcoglycan complex..

Submission:

Myriad Genetics, Inc.
Classification: Pathogenic for Autosomal recessive limb-girdle muscular dystrophy type 2E. Last evaluated: 2025-08-23. Review status: criteria provided, single submitter. Criteria: Myriad Autosomal Dominant, Autosomal Recessive and X-Linked Classification Criteria (2023). Collection method: clinical testing. Allele origin: unknown.
Comment: NM_000232.4(SGCB):c.463_464insGG(V155Gfs*2) is expected to be pathogenic in the context of beta-sarcoglycanopathy. This variant is predicted to lead to an abnormal or absent protein product due to the creation of a premature termination codon in SGCB, a gene where loss-of-function variants are known to be pathogenic. Please note: this variant was assessed in the context of healthy population screening.

NM_000232.5(SGCB):c.463_464insGG (p.Val155fs)

Gene: SGCB (sarcoglycan beta; minus strand). Cytogenetic location: 4q12.
Variant type: Insertion.
Coding change: c.463_464insGG on transcript NM_000232.5 (MANE Select); coding-DNA positions 463 to 464, GG inserted.
Protein change: p.Val155fs; shifts the reading frame from valine 155.
Molecular consequence: frameshift variant.
Genome position: GRCh38 VCF-style: chr4-52028887-A-ACC. GRCh37 (hg19) VCF-style: chr4-52895053-A-ACC.
Other names: c.253_254insGG, p.Val85fs (NM_001440519.1); c.166_167insGG, p.Val56fs (NM_001440520.1); short protein forms V155fs, V56fs, V85fs.
Identifiers: ClinVar variation 5014904 (VCV005014904.1).